The following is an entry in ClinVar:

ClinVar aggregate classification (germline): Uncertain significance. Review status: criteria provided, multiple submitters, no conflicts (2 of 4 stars). 2 submissions from 2 submitters: Uncertain significance (2). Last evaluated 2024-01-29.

Allele frequency attached by ClinVar (database versions not stated): ExAC 0.00001; gnomAD 0.00001; gnomAD exomes 0.00003.
gnomAD v4.1: 18 of 1,613,994 alleles (0.0011%); highest among the groups gnomAD compares: Middle Eastern, 0.016%; no homozygotes.

Submissions (2):

Blueprint Genetics
Classification: Uncertain significance. Last evaluated: 2024-01-29. Review status: criteria provided, single submitter. Criteria: ACMG Guidelines, 2015. Collection method: clinical testing. Allele origin: germline.

Labcorp Genetics (formerly Invitae), Labcorp
Classification: Uncertain significance. Last evaluated: 2021-06-29. Review status: criteria provided, single submitter. Criteria: Invitae Variant Classification Sherloc (09022015). Collection method: clinical testing. Allele origin: germline.
Comment: In summary, the available evidence is currently insufficient to determine the role of this variant in disease. Therefore, it has been classified as a Variant of Uncertain Significance. Algorithms developed to predict the effect of missense changes on protein structure and function (SIFT, PolyPhen-2, Align-GVGD) all suggest that this variant is likely to be tolerated, but these predictions have not been confirmed by published functional studies and their clinical significance is uncertain. This sequence change replaces alanine with threonine at codon 288 of the ADIPOR1 protein (p.Ala288Thr). The alanine residue is moderately conserved and there is a small physicochemical difference between alanine and threonine. This variant is present in population databases (rs755615066, ExAC 0.006%). This variant has not been reported in the literature in individuals with ADIPOR1-related conditions.

NM_015999.6(ADIPOR1):c.862G>A (p.Ala288Thr)

Gene: ADIPOR1 (adiponectin receptor 1; minus strand). Cytogenetic location: 1q32.1.
Variant type: single nucleotide variant.
Coding change: c.862G>A on transcript NM_015999.6 (MANE Select); coding-DNA position 862, G replaced by A.
Protein change: p.Ala288Thr; replaces alanine 288 with threonine.
Molecular consequence: missense variant.
Genome position (GRCh38, 1-based): chr1:202,942,162, C>T on the plus strand (G>A on the coding strand, the complement: ADIPOR1 is on the minus strand). VCF-style: chr1-202942162-C-T. GRCh37 (hg19) VCF-style: chr1-202911290-C-T.
Other names: c.862G>A, p.Ala288Thr (NM_001290553.2, NM_001290557.1, NM_001290629.1); short protein forms A288T.
Identifiers: ClinVar variation 1364500 (VCV001364500.9), dbSNP rs755615066, ClinGen allele CA1335865.